The following is an entry in ClinVar:

ClinVar aggregate classification (germline): Uncertain significance (1 of 4 stars; one submission).

Conditions:
Hereditary cancer-predisposing syndrome. Also called: Neoplastic Syndromes, Hereditary; Tumor predisposition; Hereditary neoplastic syndrome; Hereditary Cancer Syndrome. Identifiers: Orphanet 140162, MedGen C0027672, MeSH D009386, MONDO:0015356.
Cardiovascular phenotype. Identifiers: MedGen CN230736.

Submission:

Ambry Genetics
Classification: Uncertain significance for Cardiovascular phenotype; Hereditary cancer-predisposing syndrome. Last evaluated: 2023-01-24. Review status: criteria provided, single submitter. Criteria: Ambry Variant Classification Scheme 2023. Collection method: clinical testing. Allele origin: germline.
Comment: The p.E568Q variant (also known as c.1702G>C), located in coding exon 15 of the NF1 gene, results from a G to C substitution at nucleotide position 1702. The glutamic acid at codon 568 is replaced by glutamine, an amino acid with highly similar properties. This amino acid position is highly conserved in available vertebrate species. In addition, this alteration is predicted to be tolerated by in silico analysis. Since supporting evidence is limited at this time, the clinical significance of this alteration remains unclear.

NM_001042492.3(NF1):c.1702G>C (p.Glu568Gln)

Gene: NF1 (neurofibromin 1; plus strand). Cytogenetic location: 17q11.2.
Variant type: single nucleotide variant.
Coding change: c.1702G>C on transcript NM_001042492.3 (MANE Select); coding-DNA position 1702, G replaced by C.
Protein change: p.Glu568Gln; replaces glutamic acid 568 with glutamine.
Molecular consequence: missense variant.
Genome position (GRCh38, 1-based): chr17:31,221,910, G>C. VCF-style: chr17-31221910-G-C. GRCh37 (hg19) VCF-style: chr17-29548928-G-C.
Other names: c.1702G>C, p.Glu568Gln (NM_000267.4, NM_001128147.3); short protein forms E568Q.
Identifiers: ClinVar variation 2452256 (VCV002452256.2), dbSNP rs2144004689, ClinGen allele CA399002342.